The following is an entry in ClinVar:

NM_000059.4(BRCA2):c.3056T>G (p.Leu1019Arg)

Gene: BRCA2 (BRCA2 DNA repair associated; plus strand). Cytogenetic location: 13q13.1.
Variant type: single nucleotide variant.
Coding change: c.3056T>G on transcript NM_000059.4 (MANE Select); coding-DNA position 3056, T replaced by G.
Protein change: p.Leu1019Arg; replaces leucine 1019 with arginine.
Molecular consequence: missense variant.
Genome position (GRCh38, 1-based): chr13:32,337,411, T>G. VCF-style: chr13-32337411-T-G. GRCh37 (hg19) VCF-style: chr13-32911548-T-G.
Other names: short protein forms L1019R.
Identifiers: ClinVar variation 919328 (VCV000919328.6), dbSNP rs1299627822, ClinGen allele CA387775095.

ClinVar aggregate classification (germline): Conflicting classifications of pathogenicity. Review status: criteria provided, conflicting classifications (1 of 4 stars). 2 submissions from 2 submitters: Uncertain significance (1); Likely benign (1). Last evaluated 2023-12-04.

Conditions:
Hereditary cancer-predisposing syndrome. Also called: Neoplastic Syndromes, Hereditary; Tumor predisposition; Hereditary Cancer Syndrome; Hereditary neoplastic syndrome. Identifiers: Orphanet 140162, MedGen C0027672, MeSH D009386, MONDO:0015356.

Submissions (2):

Color Diagnostics, LLC DBA Color Health
Classification: Uncertain significance for Hereditary cancer-predisposing syndrome. Last evaluated: 2023-12-04. Review status: criteria provided, single submitter. Criteria: ACMG Guidelines, 2015. Collection method: clinical testing. Allele origin: germline.
Comment: This missense variant replaces leucine with arginine at codon 1019 of the BRCA2 protein. Computational prediction is inconclusive regarding the impact of this variant on protein structure and function (internally defined REVEL score threshold 0.5 < inconclusive < 0.7, PMID: 27666373). To our knowledge, functional studies have not been reported for this variant. This variant has not been reported in individuals affected with BRCA2-related disorders in the literature. This variant has not been identified in the general population by the Genome Aggregation Database (gnomAD). The available evidence is insufficient to determine the role of this variant in disease conclusively. Therefore, this variant is classified as a Variant of Uncertain Significance.

University of Washington Department of Laboratory Medicine, University of Washington
Classification: Likely benign for Hereditary cancer-predisposing syndrome. Last evaluated: 2023-03-23. Review status: criteria provided, single submitter. Criteria: Dines et al. (Genet Med. 2020). Collection method: curation. Allele origin: germline.
Comment: Missense variant in a coldspot region where missense variants are very unlikely to be pathogenic (PMID:31911673).

BRCA2 exon 11 coldspot. Reclassification based on statistical prior probability.